The following is an entry in ClinVar:

ClinVar aggregate classification (germline): Uncertain significance (1 of 4 stars; one submission).

Allele frequency attached by ClinVar (database versions not stated): gnomAD 0.00001; gnomAD exomes 0.00001; TOPMed below 0.00001.
gnomAD v4.1: 18 of 1,537,118 alleles (0.0012%); highest among the groups gnomAD compares: Non-Finnish European, 0.0016%; no homozygotes.

Submission:

GeneDx
Classification: Uncertain significance. Last evaluated: 2020-02-21. Review status: criteria provided, single submitter. Criteria: GeneDx Variant Classification Process June 2021. Collection method: clinical testing. Allele origin: germline. Affected: yes.
Comment: Not observed in large population cohorts (Lek et al., 2016); In silico analysis supports that this missense variant has a deleterious effect on protein structure/function; Has not been previously published as pathogenic or benign to our knowledge

NM_001256071.3(RNF213):c.5141C>T (p.Thr1714Ile)

Gene: RNF213 (ring finger protein 213; plus strand). Cytogenetic location: 17q25.3.
Variant type: single nucleotide variant.
Coding change: c.5141C>T on transcript NM_001256071.3 (MANE Select); coding-DNA position 5141, C replaced by T.
Protein change: p.Thr1714Ile; replaces threonine 1714 with isoleucine.
Molecular consequence: missense variant.
Genome position (GRCh38, 1-based): chr17:80,339,508, C>T. VCF-style: chr17-80339508-C-T. GRCh37 (hg19) VCF-style: chr17-78313308-C-T.
Other names: short protein forms T1714I.
Identifiers: ClinVar variation 1315620 (VCV001315620.2), dbSNP rs1353450124, ClinGen allele CA401388016.